The following is an entry in ClinVar:

ClinVar aggregate classification (germline): Uncertain significance. Review status: criteria provided, multiple submitters, no conflicts (2 of 4 stars). 5 submissions from 3 submitters: Uncertain significance (5). Last evaluated 2022-03-28.

Conditions:
Amyotrophic lateral sclerosis type 5 (ALS5). Also called: AMYOTROPHIC LATERAL SCLEROSIS 5, JUVENILE. Identifiers: Orphanet 300605, MedGen C1865864, MONDO:0011196, OMIM 602099.
Hereditary spastic paraplegia 11. Also called: Spastic Paraplegia 11; SPASTIC PARAPLEGIA, AUTOSOMAL RECESSIVE, COMPLICATED, WITH THIN CORPUS CALLOSUM; SPASTIC PARAPLEGIA, AUTOSOMAL RECESSIVE, WITH MENTAL IMPAIRMENT AND THIN CORPUS CALLOSUM; Nakamura Osame syndrome; Autosomal recessive hereditary spastic paraplegia, mental impairment, and thin corpus callosum; Spastic paraplegia, mental retardation and thin corpus callosum. Identifiers: Orphanet 2822, MedGen C1858479, MONDO:0011445, OMIM 604360.
Charcot-Marie-Tooth disease axonal type 2X. Also called: CHARCOT-MARIE-TOOTH DISEASE, AXONAL, AUTOSOMAL RECESSIVE, TYPE 2X; CHARCOT-MARIE-TOOTH NEUROPATHY, TYPE 2X. Identifiers: Orphanet 466775, MedGen C5569024, MONDO:0014726, OMIM 616668.

Allele frequency attached by ClinVar (database versions not stated): gnomAD exomes below 0.00001; ExAC 0.00001; gnomAD 0.00001; TOPMed 0.00002; ESP Exome Variant Server 0.00008.
gnomAD v4.1: 14 of 1,613,924 alleles (0.00087%); highest among the groups gnomAD compares: Non-Finnish European, 0.001%; no homozygotes.

Submissions (5):

Labcorp Genetics (formerly Invitae), Labcorp
Classification: Uncertain significance for Hereditary spastic paraplegia 11. Last evaluated: 2022-03-28. Review status: criteria provided, single submitter. Criteria: Invitae Variant Classification Sherloc (09022015). Collection method: clinical testing. Allele origin: germline.
Comment: This sequence change replaces glutamic acid, which is acidic and polar, with lysine, which is basic and polar, at codon 2233 of the SPG11 protein (p.Glu2233Lys). This variant is present in population databases (rs373587870, gnomAD 0.002%). This variant has not been reported in the literature in individuals affected with SPG11-related conditions. ClinVar contains an entry for this variant (Variation ID: 1004863). Algorithms developed to predict the effect of missense changes on protein structure and function are either unavailable or do not agree on the potential impact of this missense change (SIFT: "Deleterious"; PolyPhen-2: "Possibly Damaging"; Align-GVGD: "Class C0"). In summary, the available evidence is currently insufficient to determine the role of this variant in disease. Therefore, it has been classified as a Variant of Uncertain Significance.

Mayo Clinic Laboratories, Mayo Clinic
Classification: Uncertain significance. Last evaluated: 2019-04-15. Review status: criteria provided, single submitter. Criteria: ACMG Guidelines, 2015. Collection method: clinical testing. Allele origin: germline.

Genome-Nilou Lab
Classification: Uncertain significance for Amyotrophic lateral sclerosis type 5. Review status: criteria provided, single submitter. Criteria: ACMG Guidelines, 2015. Collection method: clinical testing. Allele origin: germline.

Genome-Nilou Lab
Classification: Uncertain significance for Charcot-Marie-Tooth disease axonal type 2X. Review status: criteria provided, single submitter. Criteria: ACMG Guidelines, 2015. Collection method: clinical testing. Allele origin: germline.

Genome-Nilou Lab
Classification: Uncertain significance for Hereditary spastic paraplegia 11. Review status: criteria provided, single submitter. Criteria: ACMG Guidelines, 2015. Collection method: clinical testing. Allele origin: germline.

NM_025137.4(SPG11):c.6697G>A (p.Glu2233Lys)

Gene: SPG11 (SPG11 vesicle trafficking associated, spatacsin; minus strand). Cytogenetic location: 15q21.1.
Variant type: single nucleotide variant.
Coding change: c.6697G>A on transcript NM_025137.4 (MANE Select); coding-DNA position 6697, G replaced by A.
Protein change: p.Glu2233Lys; replaces glutamic acid 2233 with lysine.
Molecular consequence: missense variant.
Genome position (GRCh38, 1-based): chr15:44,567,481, C>T on the plus strand (G>A on the coding strand, the complement: SPG11 is on the minus strand). VCF-style: chr15-44567481-C-T. GRCh37 (hg19) VCF-style: chr15-44859679-C-T.
Other names: c.6358G>A, p.Glu2120Lys (NM_001160227.2); short protein forms E2120K, E2233K.
Identifiers: ClinVar variation 1004863 (VCV001004863.12), dbSNP rs373587870, ClinGen allele CA7534043.